The following is an entry in ClinVar:

ClinVar aggregate classification (germline): Uncertain significance (1 of 4 stars; one submission).

Conditions:
Hereditary cancer-predisposing syndrome. Also called: Neoplastic Syndromes, Hereditary; Hereditary neoplastic syndrome; Tumor predisposition; Hereditary Cancer Syndrome. Identifiers: Orphanet 140162, MedGen C0027672, MeSH D009386, MONDO:0015356.

Submission:

Ambry Genetics
Classification: Uncertain significance for Hereditary cancer-predisposing syndrome. Last evaluated: 2026-01-29. Review status: criteria provided, single submitter. Criteria: Ambry Variant Classification Scheme 2023. Collection method: clinical testing. Allele origin: germline.
Comment: The p.S416R variant (also known as c.1248C>G), located in coding exon 9 of the BMPR1A gene, results from a C to G substitution at nucleotide position 1248. The serine at codon 416 is replaced by arginine, an amino acid with dissimilar properties. This amino acid position is well conserved in available vertebrate species. In addition, the in silico prediction for this alteration is inconclusive. Based on the available evidence, the clinical significance of this variant remains unclear.

NM_004329.3(BMPR1A):c.1248C>G (p.Ser416Arg)

Gene: BMPR1A (bone morphogenetic protein receptor type 1A; plus strand). Cytogenetic location: 10q23.2.
Variant type: single nucleotide variant.
Coding change: c.1248C>G on transcript NM_004329.3 (MANE Select); coding-DNA position 1248, C replaced by G.
Protein change: p.Ser416Arg; replaces serine 416 with arginine.
Molecular consequence: missense variant. On other transcripts: non-coding transcript variant (3).
Genome position (GRCh38, 1-based): chr10:86,921,601, C>G. VCF-style: chr10-86921601-C-G. GRCh37 (hg19) VCF-style: chr10-88681358-C-G.
Other names: c.1323C>G, p.Ser441Arg (NM_001406559.1); c.1296C>G, p.Ser432Arg (NM_001406560.1); c.1248C>G, p.Ser416Arg (NM_001406561.1, NM_001406562.1, NM_001406563.1 and 19 more transcripts); c.1242C>G, p.Ser414Arg (NM_001406583.1); c.1164C>G, p.Ser388Arg (NM_001406584.1, NM_001406585.1, NM_001406586.1 and 2 more transcripts); c.906C>G, p.Ser302Arg (NM_001406589.1); short protein forms S302R, S414R, S432R, S388R, S416R, S441R.
Identifiers: ClinVar variation 4824027 (VCV004824027.1).
Genomic context (GRCh38, chr10:86,921,601, plus strand): 5'-GCCCTTGAATACCAGGGTGGGCACCAAACGCTACATGGCTCCCGAAGTGCTGGACGAAAG[C>G]CTGAACAAAAACCACTTCCAGCCCTACATCATGGCTGACATCTACAGCTTCGGCCTAATC-3'
Protein context (NP_004320.2, residues 406-426): RYMAPEVLDE[Ser416Arg]LNKNHFQPYI